The following is an entry in ClinVar:

ClinVar aggregate classification (germline): Uncertain significance (1 of 4 stars; one submission).

Allele frequency attached by ClinVar (database versions not stated): gnomAD 0.00001; TOPMed 0.00001; ExAC 0.00005.
gnomAD v4.1: 14 of 1,613,814 alleles (0.00087%); highest among the groups gnomAD compares: Non-Finnish European, 0.0012%; no homozygotes.

Submission:

Labcorp Genetics (formerly Invitae), Labcorp
Classification: Uncertain significance. Last evaluated: 2023-01-07. Review status: criteria provided, single submitter. Criteria: Invitae Variant Classification Sherloc (09022015). Collection method: clinical testing. Allele origin: germline.
Comment: Advanced modeling of protein sequence and biophysical properties (such as structural, functional, and spatial information, amino acid conservation, physicochemical variation, residue mobility, and thermodynamic stability) performed at Invitae indicates that this missense variant is not expected to disrupt TRRAP protein function. This variant has not been reported in the literature in individuals affected with TRRAP-related conditions. This variant is present in population databases (rs746484487, gnomAD 0.006%). This sequence change replaces leucine, which is neutral and non-polar, with isoleucine, which is neutral and non-polar, at codon 2402 of the TRRAP protein (p.Leu2402Ile). In summary, the available evidence is currently insufficient to determine the role of this variant in disease. Therefore, it has been classified as a Variant of Uncertain Significance.

NM_001375524.1(TRRAP):c.7279C>A (p.Leu2427Ile)

Gene: TRRAP (transformation/transcription domain associated protein; plus strand). Cytogenetic location: 7q22.1.
Variant type: single nucleotide variant.
Coding change: c.7279C>A on transcript NM_001375524.1 (MANE Select); coding-DNA position 7279, C replaced by A.
Protein change: p.Leu2427Ile; replaces leucine 2427 with isoleucine.
Molecular consequence: missense variant.
Genome position (GRCh38, 1-based): chr7:98,967,143, C>A. VCF-style: chr7-98967143-C-A. GRCh37 (hg19) VCF-style: chr7-98564766-C-A.
Other names: c.7258C>A, p.Leu2420Ile (NM_001244580.2); c.7204C>A, p.Leu2402Ile (NM_003496.4); short protein forms L2402I, L2420I, L2427I.
Identifiers: ClinVar variation 2902103 (VCV002902103.3), dbSNP rs746484487, ClinGen allele CA4361092.